The following is an entry in ClinVar:

NM_001001557.4(GDF6):c.955G>A (p.Ala319Thr)

Gene: GDF6 (growth differentiation factor 6; minus strand). Cytogenetic location: 8q22.1.
Variant type: single nucleotide variant.
Coding change: c.955G>A on transcript NM_001001557.4 (MANE Select); coding-DNA position 955, G replaced by A.
Protein change: p.Ala319Thr; replaces alanine 319 with threonine.
Molecular consequence: missense variant.
Genome position (GRCh38, 1-based): chr8:96,144,976, C>T on the plus strand (G>A on the coding strand, the complement: GDF6 is on the minus strand). VCF-style: chr8-96144976-C-T. GRCh37 (hg19) VCF-style: chr8-97157204-C-T.
Other names: short protein forms A319T.
Identifiers: ClinVar variation 912579 (VCV000912579.7), dbSNP rs779322747, ClinGen allele CA4815385.

ClinVar aggregate classification (germline): Likely benign. Review status: criteria provided, multiple submitters, no conflicts (2 of 4 stars). 2 submissions from 2 submitters: Likely benign (2). Last evaluated 2024-12-08.

Conditions:
Isolated microphthalmia 4. Identifiers: Orphanet 2542, MedGen C2751307, MONDO:0013130, OMIM 613094.
Leber congenital amaurosis 17 (LCA17). Identifiers: Orphanet 65, MedGen C3715164, MONDO:0014145, OMIM 615360.
Klippel-Feil syndrome 1, autosomal dominant (KFS1). Also called: CERVICAL VERTEBRAL FUSION, AUTOSOMAL DOMINANT. Identifiers: Orphanet 2345, MedGen C1861689, MONDO:0007306, OMIM 118100.
Microphthalmia, isolated, with coloboma 6 (MCOPCB6). Also called: Microphthalmia with coloboma 6, digenic; Microphthalmia with coloboma 6; MICROPHTHALMIA/COLOBOMA 6. Identifiers: Orphanet 98938, MedGen C3150968, MONDO:0013376, OMIM 613703.

Allele frequency attached by ClinVar (database versions not stated): gnomAD below 0.00001 and 0.00003; TOPMed 0.00001; gnomAD exomes 0.00003 and 0.00025; ExAC 0.00088.
gnomAD v4.1: 38 of 1,361,656 alleles (0.0028%); highest among the groups gnomAD compares: South Asian, 0.063%; no homozygotes.

Submissions (2):

Labcorp Genetics (formerly Invitae), Labcorp
Classification: Likely benign for Isolated microphthalmia 4; Leber congenital amaurosis 17; Klippel-Feil syndrome 1, autosomal dominant; Microphthalmia, isolated, with coloboma 6. Last evaluated: 2024-12-08. Review status: criteria provided, single submitter. Criteria: Invitae Variant Classification Sherloc (09022015). Collection method: clinical testing. Allele origin: germline.

Illumina Laboratory Services, Illumina
Classification: Likely benign for Klippel-Feil syndrome 1, autosomal dominant. Last evaluated: 2017-04-27. Review status: criteria provided, single submitter. Criteria: ICSL Variant Classification Criteria 13 December 2019. Collection method: clinical testing. Allele origin: germline.
Comment: This variant was observed as part of a predisposition screen in an ostensibly healthy population. A literature search was performed for the gene, cDNA change, and amino acid change (where applicable). Publications were found based on this search. The evidence from the literature, in combination with allele frequency data from public databases where available, was sufficient to determine this variant is unlikely to cause disease. Therefore, this variant is classified as likely benign.

Literature cited by the submitters: PubMed 21070663 (cited by Illumina Laboratory Services, Illumina).